The following is an entry in ClinVar:

ClinVar aggregate classification (germline): Likely benign. Review status: criteria provided, multiple submitters, no conflicts (2 of 4 stars). 5 submissions from 5 submitters: Likely benign (5). Last evaluated 2025-09-01.

Conditions:
Intellectual disability. Also called: Intellectual developmental disorder; Intellectual functioning disability; intellectual disabilities. Identifiers: MedGen C3714756, MeSH D008607, MONDO:0001071, HP:0001249.
Inborn genetic diseases. Identifiers: MedGen C0950123, MeSH D030342.
Intellectual developmental disorder, autosomal dominant 43. Also called: Intellectual disability, autosomal dominant 43. Identifiers: MedGen C4707429, MONDO:0014858, OMIM 616977.

Allele frequency attached by ClinVar (database versions not stated): ESP Exome Variant Server 0.00097; gnomAD exomes 0.00046; gnomAD 0.00037 and 0.00041; TOPMed 0.00046; ExAC 0.00057.
gnomAD v4.1: 1,410 of 1,614,008 alleles (0.087%); highest among the groups gnomAD compares: Non-Finnish European, 0.11%; 1 homozygote.

Submissions (5):

CeGaT Center for Human Genetics Tuebingen
Classification: Likely benign. Last evaluated: 2025-09-01. Review status: criteria provided, single submitter. Criteria: CeGaT Center For Human Genetics Tuebingen Variant Classification Criteria Version 2. Collection method: clinical testing. Allele origin: germline. Affected: yes. Observed: 2 variant alleles.
Comment: HIVEP2: BP4, BS2

Ambry Genetics
Classification: Likely benign for Inborn genetic diseases. Last evaluated: 2023-05-30. Review status: criteria provided, single submitter. Criteria: Ambry Variant Classification Scheme 2023. Collection method: clinical testing. Allele origin: germline.

Fulgent Genetics
Classification: Likely benign for Intellectual developmental disorder, autosomal dominant 43. Last evaluated: 2021-09-29. Review status: criteria provided, single submitter. Criteria: ACMG Guidelines, 2015. Collection method: clinical testing. Allele origin: unknown.

Labcorp Genetics (formerly Invitae), Labcorp
Classification: Likely benign. Last evaluated: 2019-12-31. Review status: criteria provided, single submitter. Criteria: Invitae Variant Classification Sherloc (09022015). Collection method: clinical testing. Allele origin: germline.

Cambridge Genomics Laboratory, East Genomic Laboratory Hub, NHS Genomic Medicine Service
Classification: Likely benign for Intellectual disability. Last evaluated: 2019-04-17. Review status: criteria provided, single submitter. Criteria: ACGS Best Practice Guidelines for Variant Classification in Rare Disease 2020. Collection method: clinical testing. Allele origin: germline. Affected: yes. Observed: 1 variant allele.

NM_006734.4(HIVEP2):c.6884C>T (p.Pro2295Leu)

Gene: HIVEP2 (HIVEP zinc finger 2; minus strand). Cytogenetic location: 6q24.2.
Variant type: single nucleotide variant.
Coding change: c.6884C>T on transcript NM_006734.4 (MANE Select); coding-DNA position 6884, C replaced by T.
Protein change: p.Pro2295Leu; replaces proline 2295 with leucine.
Molecular consequence: missense variant.
Genome position (GRCh38, 1-based): chr6:142,753,564, G>A on the plus strand (C>T on the coding strand, the complement: HIVEP2 is on the minus strand). VCF-style: chr6-142753564-G-A. GRCh37 (hg19) VCF-style: chr6-143074701-G-A.
Other names: short protein forms P2295L.
Identifiers: ClinVar variation 785806 (VCV000785806.35), dbSNP rs201249840, ClinGen allele CA4027615.